The following is an entry in ClinVar:

ClinVar aggregate classification (germline): Uncertain significance. Review status: criteria provided, multiple submitters, no conflicts (2 of 4 stars). 2 submissions from 2 submitters: Uncertain significance (2). Last evaluated 2025-05-23.

Conditions:
Peripheral neuropathy. Also called: Neuropathy. Identifiers: MedGen C0031117, MONDO:0005244, HP:0009830.

Allele frequency attached by ClinVar (database versions not stated): gnomAD exomes 0.00002 and 0.00003; TOPMed 0.00002; ExAC 0.00003.
gnomAD v4.1: 36 of 1,613,628 alleles (0.0022%); highest among the groups gnomAD compares: South Asian, 0.0033%; no homozygotes.

Submissions (2):

Ambry Genetics
Classification: Uncertain significance. Last evaluated: 2025-05-23. Review status: criteria provided, single submitter. Criteria: Ambry Variant Classification Scheme 2023. Collection method: clinical testing. Allele origin: germline.

Labcorp Genetics (formerly Invitae), Labcorp
Classification: Uncertain significance for Peripheral neuropathy. Last evaluated: 2022-10-05. Review status: criteria provided, single submitter. Criteria: Invitae Variant Classification Sherloc (09022015). Collection method: clinical testing. Allele origin: germline.
Comment: In summary, the available evidence is currently insufficient to determine the role of this variant in disease. Therefore, it has been classified as a Variant of Uncertain Significance. Algorithms developed to predict the effect of missense changes on protein structure and function (SIFT, PolyPhen-2, Align-GVGD) all suggest that this variant is likely to be disruptive. ClinVar contains an entry for this variant (Variation ID: 951943). This variant has not been reported in the literature in individuals affected with FLRT1-related conditions. This variant is present in population databases (rs756090482, gnomAD 0.007%). This sequence change replaces valine, which is neutral and non-polar, with isoleucine, which is neutral and non-polar, at codon 166 of the FLRT1 protein (p.Val166Ile).

NM_013280.5(FLRT1):c.496G>A (p.Val166Ile)

Genes: FLRT1 (fibronectin leucine rich transmembrane protein 1; plus strand), MACROD1 (mono-ADP ribosylhydrolase 1; minus strand). Cytogenetic location: 11q13.1.
Variant type: single nucleotide variant.
Coding change: c.496G>A on transcript NM_013280.5 (MANE Select); coding-DNA position 496, G replaced by A.
Protein change: p.Val166Ile; replaces valine 166 with isoleucine.
Molecular consequence: missense variant. On other transcripts: intron variant (2).
Genome position (GRCh38, 1-based): chr11:64,116,763, G>A. VCF-style: chr11-64116763-G-A. GRCh37 (hg19) VCF-style: chr11-63884235-G-A.
Other names: c.496G>A, p.Val166Ile (NM_001384466.1); c.412G>A, p.Val138Ile (NM_001423967.1); c.517+34476C>T (NM_001411019.1, NM_014067.4); short protein forms V166I, V138I.
Identifiers: ClinVar variation 951943 (VCV000951943.10), dbSNP rs756090482, ClinGen allele CA6067493.